The following is an entry in ClinVar:

ClinVar aggregate classification (germline): Pathogenic (1 of 4 stars; one submission).

Conditions:
Inborn genetic diseases. Identifiers: MedGen C0950123, MeSH D030342.

Submission:

Ambry Genetics
Classification: Pathogenic for Inborn genetic diseases. Last evaluated: 2025-10-14. Review status: criteria provided, single submitter. Criteria: Ambry Variant Classification Scheme 2023. Collection method: clinical testing. Allele origin: germline.
Comment: The c.2414_2418delAAAAG (p.E805Gfs*3) alteration, located in exon 9 (coding exon 7) of the ANKRD11 gene, consists of a deletion of 5 nucleotides from position 2414 to 2418, causing a translational frameshift with a predicted alternate stop codon after 3 amino acids. This alteration is expected to result in loss of function by premature protein truncation or nonsense-mediated mRNA decay. This variant was not reported in population-based cohorts in the Genome Aggregation Database (gnomAD). Based on the available evidence, this alteration is classified as pathogenic.

NM_013275.6(ANKRD11):c.2414_2418del (p.Glu805fs)

Gene: ANKRD11 (ankyrin repeat domain 11; minus strand). Cytogenetic location: 16q24.3.
Variant type: Microsatellite.
Coding change: c.2414_2418del on transcript NM_013275.6 (MANE Select); coding-DNA positions 2414 to 2418, 5 bases deleted (AAAAG; older notation c.2414_2418delAAAAG).
Protein change: p.Glu805fs; shifts the reading frame from glutamic acid 805.
Molecular consequence: frameshift variant.
Genome position (GRCh38, 1-based): chr16:89,284,124-89,284,128, CTTTT deleted on the plus strand (AAAAG on the coding strand, the reverse complement: ANKRD11 is on the minus strand); deleting any 5 consecutive bases within chr16:89,284,124-89,284,133 gives the same sequence; the c. name uses the placement nearest the transcript's 3' end. VCF-style (leftmost placement, unchanged base first): chr16-89284123-CCTTTT-C. GRCh37 (hg19) VCF-style: chr16-89350531-CCTTTT-C.
Other names: c.2414_2418del, p.Glu805fs (NM_001256182.2, NM_001256183.2); short protein forms E805fs.
Identifiers: ClinVar variation 4578143 (VCV004578143.1).